The following is an entry in ClinVar:

ClinVar aggregate classification (germline): Benign. Review status: criteria provided, single submitter (1 of 4 stars). 3 submissions from 1 submitter: Benign (3). Last evaluated 2018-01-13.

Conditions:
Polydactyly. Also called: polydactylism. Identifiers: MedGen C0152427, MONDO:0021003, OMIM 603596, HP:0010442.
Pallister-Hall syndrome (PHS). Also called: HYPOTHALAMIC HAMARTOBLASTOMA, HYPOPITUITARISM, IMPERFORATE ANUS, AND POSTAXIAL POLYDACTYLY; GLI3-Related Pallister-Hall Syndrome. Identifiers: Orphanet 672, MedGen C0265220, MONDO:0007804, OMIM 146510.
Greig cephalopolysyndactyly syndrome (GCPS). Also called: POLYSYNDACTYLY WITH PECULIAR SKULL SHAPE; Greig syndrome; GLI3-Related Greig Cephalopolysyndactyly Syndrome. Identifiers: Orphanet 380, MedGen C0265306, MONDO:0008287, OMIM 175700.

Allele frequency attached by ClinVar (database versions not stated): gnomAD 0.00038 and 0.00040; TOPMed 0.00049; 1000 Genomes Project 0.00060; 1000 Genomes Project 30x 0.00078.
gnomAD v4.1: 62 of 152,336 alleles (0.041%); highest among the groups gnomAD compares: Middle Eastern, 0.68%; no homozygotes.

Submissions (3):

Illumina Laboratory Services, Illumina
Classification: Benign for Pallister-Hall syndrome. Last evaluated: 2018-01-13. Review status: criteria provided, single submitter. Criteria: ICSL Variant Classification Criteria 13 December 2019. Collection method: clinical testing. Allele origin: germline.
Comment: This variant was observed in the ICSL laboratory as part of a predisposition screen in an ostensibly healthy population. It had not been previously curated by ICSL or reported in the Human Gene Mutation Database (HGMD: prior to June 1st, 2018), and was therefore a candidate for classification through an automated scoring system. Utilizing variant allele frequency, disease prevalence and penetrance estimates, and inheritance mode, an automated score was calculated to assess if this variant is too frequent to cause the disease. Based on the score and internal cut-off values, a variant classified as benign is not then subjected to further curation. The score for this variant resulted in a classification of benign for this disease.

Illumina Laboratory Services, Illumina
Classification: Benign for Greig cephalopolysyndactyly syndrome. Last evaluated: 2018-01-13. Review status: criteria provided, single submitter. Criteria: ICSL Variant Classification Criteria 13 December 2019. Collection method: clinical testing. Allele origin: germline.
Comment: the same text as in the submission from Illumina Laboratory Services, Illumina above.

Illumina Laboratory Services, Illumina
Classification: Benign for Polydactyly. Last evaluated: 2018-01-13. Review status: criteria provided, single submitter. Criteria: ICSL Variant Classification Criteria 13 December 2019. Collection method: clinical testing. Allele origin: germline.
Comment: the same text as in the submission from Illumina Laboratory Services, Illumina above.

NM_000168.6(GLI3):c.*1623A>G

Gene: GLI3 (GLI family zinc finger 3; minus strand). Cytogenetic location: 7p14.1.
Variant type: single nucleotide variant.
Coding change: c.*1623A>G on transcript NM_000168.6 (MANE Select); 1623 bases downstream of the stop codon, A replaced by G.
Molecular consequence: 3 prime UTR variant.
Genome position (GRCh38, 1-based): chr7:41,962,707, T>C on the plus strand (A>G on the coding strand, the complement: GLI3 is on the minus strand). VCF-style: chr7-41962707-T-C. GRCh37 (hg19) VCF-style: chr7-42002305-T-C.
Identifiers: ClinVar variation 360184 (VCV000360184.5), dbSNP rs183853326, ClinGen allele CA10626083.
Genomic context (GRCh38, chr7:41,962,707, plus strand): 5'-TTGGTCCAAATGAAAGAACATAAACATGAGAAAAGTGGGCTGGTCTTAACACTCTTTCTA[T>C]TATCTAACACTTTATTTTACTTGATTTTGTCTTTCTACTGTAATTTAAATGGCAAGATTA-3'